The following is an entry in ClinVar:

ClinVar aggregate classification (germline): Uncertain significance (1 of 4 stars; one submission).

Conditions:
NEK1-related disorder. Also called: NEK1-related condition.

gnomAD v4.1: 3 of 1,594,726 alleles (0.00019%); highest among the groups gnomAD compares: Admixed American, 0.0035%; no homozygotes.

Submission:

PreventionGenetics, part of Exact Sciences
Classification: Uncertain significance for NEK1-related condition. Last evaluated: 2025-08-01. Review status: criteria provided, single submitter. Criteria: ACMG Guidelines, 2015. Collection method: clinical testing. Allele origin: germline.
Comment: The NEK1 c.1709A>C variant is predicted to result in the amino acid substitution p.Asn570Thr. To our knowledge, this variant has not been reported in the literature or in a large population database (gnomAD), indicating this variant is rare. At this time, the clinical significance of this variant is uncertain due to the absence of conclusive functional and genetic evidence.

NM_001199397.3(NEK1):c.1793A>C (p.Asn598Thr)

Gene: NEK1 (NIMA related kinase 1; minus strand). Cytogenetic location: 4q33.
Variant type: single nucleotide variant.
Coding change: c.1793A>C on transcript NM_001199397.3 (MANE Select); coding-DNA position 1793, A replaced by C.
Protein change: p.Asn598Thr; replaces asparagine 598 with threonine.
Molecular consequence: missense variant. On other transcripts: non-coding transcript variant (1).
Genome position (GRCh38, 1-based): chr4:169,508,288, T>G on the plus strand (A>C on the coding strand, the complement: NEK1 is on the minus strand). VCF-style: chr4-169508288-T-G. GRCh37 (hg19) VCF-style: chr4-170429439-T-G.
Other names: c.1661A>C, p.Asn554Thr (NM_001199398.3, NM_001440622.1); c.1502A>C, p.Asn501Thr (NM_001199399.3); c.1577A>C, p.Asn526Thr (NM_001199400.3, NM_001440623.1); c.1793A>C, p.Asn598Thr (NM_001374418.1, NM_001440620.1); c.1709A>C, p.Asn570Thr (NM_001374419.1, NM_001440621.1, NM_012224.4); c.1658A>C, p.Asn553Thr (NM_001374420.1); c.1583A>C, p.Asn528Thr (NM_001374421.1); c.1088A>C, p.Asn363Thr (NM_001440624.1); and 1 more; short protein forms N363T, N554T, N501T, N528T, N598T, N319T, N526T, N553T.
Identifiers: ClinVar variation 5000674 (VCV005000674.1).